The following is an entry in ClinVar:

ClinVar aggregate classification (germline): Conflicting classifications of pathogenicity. Review status: criteria provided, conflicting classifications (1 of 4 stars). 4 submissions from 4 submitters: Uncertain significance (3); Likely benign (1). Last evaluated 2025-09-01.

Conditions:
Cardiovascular phenotype. Identifiers: MedGen CN230736.
Myopathy, congenital, with structured cores and z-line abnormalities. Also called: CONGENITAL MYOPATHY 8; MULTIPLE STRUCTURED CORE DISEASE. Identifiers: MedGen C5231445, MONDO:0032852, OMIM 618654.
Myopathy, distal, 6, adult-onset, autosomal dominant. Identifiers: MedGen C5203349, MONDO:0032853, OMIM 618655.
Dilated cardiomyopathy 1AA (CMD1AA). Also called: CARDIOMYOPATHY, DILATED, 1AA, WITH OR WITHOUT LEFT VENTRICULAR NONCOMPACTION; CARDIOMYOPATHY, FAMILIAL HYPERTROPHIC, 23, WITH OR WITHOUT LEFT VENTRICULAR NONCOMPACTION; Cardiomyopathy, dilated, 1AA, with or without LVNC. Identifiers: Orphanet 154, MedGen C2677338, MONDO:0012808, OMIM 612158.
Primary familial hypertrophic cardiomyopathy (HCM). Identifiers: Orphanet 99739, MedGen C0949658, MeSH D024741, MONDO:0024573. Inheritance: Various modes of inheritance.

Allele frequency attached by ClinVar (database versions not stated): gnomAD exomes below 0.00001 and 0.00001; TOPMed below 0.00001; gnomAD 0.00002 and 0.00003.
gnomAD v4.1: 19 of 1,613,964 alleles (0.0012%); highest among the groups gnomAD compares: African/African-American, 0.0053%; no homozygotes.

Submissions (4):

Labcorp Genetics (formerly Invitae), Labcorp
Classification: Likely benign for Primary familial hypertrophic cardiomyopathy; Dilated cardiomyopathy 1AA. Last evaluated: 2025-09-01. Review status: criteria provided, single submitter. Criteria: Invitae Variant Classification Sherloc (09022015). Collection method: clinical testing. Allele origin: germline.

Ambry Genetics
Classification: Uncertain significance for Cardiovascular phenotype. Last evaluated: 2023-12-25. Review status: criteria provided, single submitter. Criteria: Ambry Variant Classification Scheme 2023. Collection method: clinical testing. Allele origin: germline.
Comment: The p.N530S variant (also known as c.1589A>G), located in coding exon 14 of the ACTN2 gene, results from an A to G substitution at nucleotide position 1589. The asparagine at codon 530 is replaced by serine, an amino acid with highly similar properties. This amino acid position is conserved. In addition, this alteration is predicted to be tolerated by in silico analysis. Since supporting evidence is limited at this time, the clinical significance of this alteration remains unclear.

GeneDx
Classification: Uncertain significance. Last evaluated: 2022-08-16. Review status: criteria provided, single submitter. Criteria: GeneDx Variant Classification Process June 2021. Collection method: clinical testing. Allele origin: germline. Affected: yes.
Comment: Has not been previously published as pathogenic or benign to our knowledge; Not observed at significant frequency in large population cohorts (gnomAD); In silico analysis supports that this missense variant has a deleterious effect on protein structure/function

Fulgent Genetics
Classification: Uncertain significance for Dilated cardiomyopathy 1AA; Myopathy, congenital, with structured cores and z-line abnormalities; Myopathy, distal, 6, adult-onset, autosomal dominant. Last evaluated: 2021-08-11. Review status: criteria provided, single submitter. Criteria: ACMG Guidelines, 2015. Collection method: clinical testing. Allele origin: unknown.

NM_001103.4(ACTN2):c.1589A>G (p.Asn530Ser)

Gene: ACTN2 (actinin alpha 2; plus strand). Cytogenetic location: 1q43.
Variant type: single nucleotide variant.
Coding change: c.1589A>G on transcript NM_001103.4 (MANE Select); coding-DNA position 1589, A replaced by G.
Protein change: p.Asn530Ser; replaces asparagine 530 with serine.
Molecular consequence: missense variant.
Genome position (GRCh38, 1-based): chr1:236,749,197, A>G. VCF-style: chr1-236749197-A-G. GRCh37 (hg19) VCF-style: chr1-236912497-A-G.
Other names: c.1589A>G, p.Asn530Ser (NM_001278343.2); c.965A>G, p.Asn322Ser (NM_001278344.2); short protein forms N322S, N530S.
Identifiers: ClinVar variation 1315602 (VCV001315602.13), dbSNP rs1384783399, ClinGen allele CA345384832.